The following is an entry in ClinVar:

NM_015378.4(VPS13D):c.12030+5G>A

Gene: VPS13D (vacuolar protein sorting 13 homolog D; plus strand). Cytogenetic location: 1p36.22.
Variant type: single nucleotide variant.
Coding change: c.12030+5G>A on transcript NM_015378.4 (MANE Select); 5 bases into the intron after coding-DNA position 12030, G replaced by A.
Molecular consequence: intron variant.
Genome position (GRCh38, 1-based): chr1:12,403,978, G>A. VCF-style: chr1-12403978-G-A. GRCh37 (hg19) VCF-style: chr1-12464031-G-A.
Other names: c.11955+5G>A (NM_018156.4).
Identifiers: ClinVar variation 2157146 (VCV002157146.4), dbSNP rs369832557, ClinGen allele CA604093.
Genomic context (GRCh38, chr1:12,403,978, plus strand): 5'-TTCCTCAGATCAAGCTAAGTGTGTTCACCTCCAACAAGCTCCCATTGGATCTTAAGGTGA[G>A]CTGCTATTTGGGTAAATTTTTTTAGATGATTTTTCCTTGGAAAAGAATGAGTGTGTTTAC-3'

ClinVar aggregate classification (germline): Uncertain significance (1 of 4 stars; one submission).

Allele frequency attached by ClinVar (database versions not stated): gnomAD 0.00001; ExAC 0.00002; ESP Exome Variant Server 0.00008; gnomAD exomes 0.00003; TOPMed below 0.00001.
gnomAD v4.1: 40 of 1,574,278 alleles (0.0025%); highest among the groups gnomAD compares: Non-Finnish European, 0.0033%; no homozygotes.

Submission:

Labcorp Genetics (formerly Invitae), Labcorp
Classification: Uncertain significance. Last evaluated: 2022-10-13. Review status: criteria provided, single submitter. Criteria: Invitae Variant Classification Sherloc (09022015). Collection method: clinical testing. Allele origin: germline.
Comment: In summary, the available evidence is currently insufficient to determine the role of this variant in disease. Therefore, it has been classified as a Variant of Uncertain Significance. Variants that disrupt the consensus splice site are a relatively common cause of aberrant splicing (PMID: 17576681, 9536098). Algorithms developed to predict the effect of sequence changes on RNA splicing suggest that this variant may create or strengthen a splice site. This variant has not been reported in the literature in individuals affected with VPS13D-related conditions. This variant is present in population databases (rs369832557, gnomAD 0.001%). This sequence change falls in intron 63 of the VPS13D gene. It does not directly change the encoded amino acid sequence of the VPS13D protein. It affects a nucleotide within the consensus splice site.

Literature cited by the submitters: PubMed 17576681; PubMed 9536098.